The following is an entry in ClinVar:

ClinVar aggregate classification (germline): Benign. Review status: criteria provided, multiple submitters, no conflicts (2 of 4 stars). 9 submissions from 9 submitters: Benign (6). 3 of the submissions do not count toward it. Last evaluated 2026-09-01.

Conditions:
Joubert syndrome 3 (JBTS3). Also called: AHI1-related Ciliopathy. Identifiers: Orphanet 220493, MedGen C1837713, MONDO:0012078, OMIM 608629.
Joubert syndrome. Also called: Familial aplasia of the vermis; JOUBERT-BOLTSHAUSER SYNDROME. Identifiers: Orphanet 475, MedGen C5979921, MONDO:0018772.

Allele frequency attached by ClinVar (database versions not stated): 1000 Genomes Project 30x 0.00593; 1000 Genomes Project 0.00619; TOPMed 0.00963; gnomAD 0.01034 and 0.01070; ExAC 0.01054; gnomAD exomes 0.01115 and 0.01405; ESP Exome Variant Server 0.01304.
gnomAD v4.1: 21,309 of 1,572,426 alleles (1.4%); highest among the groups gnomAD compares: Non-Finnish European, 1.6%; 187 homozygotes.

Submissions (9):

CeGaT Center for Human Genetics Tuebingen
Classification: Benign. Last evaluated: 2026-09-01. Review status: criteria provided, single submitter. Criteria: CeGaT Center For Human Genetics Tuebingen Variant Classification Criteria Version 2. Collection method: clinical testing. Allele origin: germline. Affected: yes. Observed: 51 variant alleles.
Comment: AHI1: BP4, BS1, BS2

Labcorp Genetics (formerly Invitae), Labcorp
Classification: Benign for Joubert syndrome. Last evaluated: 2026-02-04. Review status: criteria provided, single submitter. Criteria: Invitae Variant Classification Sherloc (09022015). Collection method: clinical testing. Allele origin: germline.

Athena Diagnostics
Classification: Benign. Last evaluated: 2019-08-13. Review status: criteria provided, single submitter. Criteria: Athena Diagnostics Criteria. Collection method: clinical testing. Allele origin: germline.

Illumina Laboratory Services, Illumina
Classification: Benign for Joubert syndrome 3. Last evaluated: 2017-04-27. Review status: criteria provided, single submitter. Criteria: ICSL Variant Classification Criteria 13 December 2019. Collection method: clinical testing. Allele origin: germline.
Comment: This variant was observed as part of a predisposition screen in an ostensibly healthy population. A literature search was performed for the gene, cDNA change, and amino acid change (where applicable). Publications were found based on this search. The evidence from the literature, in combination with allele frequency data from public databases where available, was sufficient to rule this variant out of causing disease. Therefore, this variant is classified as benign.

GeneDx
Classification: Benign. Last evaluated: 2016-04-12. Review status: criteria provided, single submitter. Criteria: GeneDx Variant Classification (06012015). Collection method: clinical testing. Allele origin: germline. Affected: yes.
Comment: This variant is considered likely benign or benign based on one or more of the following criteria: it is a conservative change, it occurs at a poorly conserved position in the protein, it is predicted to be benign by multiple in silico algorithms, and/or has population frequency not consistent with disease.

PreventionGenetics, part of Exact Sciences
Classification: Benign. Review status: criteria provided, single submitter. Criteria: ACMG Guidelines, 2015. Collection method: clinical testing. Allele origin: germline.

Clinical Genetics DNA and cytogenetics Diagnostics Lab, Erasmus MC, Erasmus Medical Center
Classification: Likely benign. Review status: no assertion criteria provided. Collection method: clinical testing. Allele origin: germline. Affected: yes. Study: VKGL Data-share Consensus. Not counted in ClinVar's aggregate classification.

Genetic Services Laboratory, University of Chicago
Classification: Likely benign for AllHighlyPenetrant. Review status: no assertion criteria provided. Collection method: clinical testing. Allele origin: germline. Inheritance: Autosomal recessive inheritance. Not counted in ClinVar's aggregate classification.
Comment: Likely benign based on allele frequency in 1000 Genomes Project or ESP global frequency and its presence in a patient with a rare or unrelated disease phenotype. NOT Sanger confirmed.

Laboratory of Diagnostic Genome Analysis, Leiden University Medical Center (LUMC)
Classification: Likely benign. Review status: no assertion criteria provided. Collection method: clinical testing. Allele origin: germline. Affected: yes. Study: VKGL Data-share Consensus. Not counted in ClinVar's aggregate classification.

Literature cited by the submitters: PubMed 16155189 (cited by Athena Diagnostics and Illumina Laboratory Services, Illumina); PubMed 16453322 (cited by Athena Diagnostics and Illumina Laboratory Services, Illumina); PubMed 22773737 (cited by Illumina Laboratory Services, Illumina).

NM_001134831.2(AHI1):c.1643G>A (p.Arg548His)

Gene: AHI1 (Abelson helper integration site 1; minus strand). Cytogenetic location: 6q23.3.
Variant type: single nucleotide variant.
Coding change: c.1643G>A on transcript NM_001134831.2 (MANE Select); coding-DNA position 1643, G replaced by A.
Protein change: p.Arg548His; replaces arginine 548 with histidine.
Molecular consequence: missense variant.
Genome position (GRCh38, 1-based): chr6:135,447,144, C>T on the plus strand (G>A on the coding strand, the complement: AHI1 is on the minus strand). VCF-style: chr6-135447144-C-T. GRCh37 (hg19) VCF-style: chr6-135768282-C-T.
Other names: c.1643G>A, p.Arg548His (NM_001134830.2, NM_001134832.2, NM_001350503.2 and 2 more transcripts); short protein forms R548H.
Identifiers: ClinVar variation 128322 (VCV000128322.47), dbSNP rs35433555, ClinGen allele CA151696.